The following is an entry in ClinVar:

NM_001042492.3(NF1):c.3071C>G (p.Ala1024Gly)

Gene: NF1 (neurofibromin 1; plus strand). Cytogenetic location: 17q11.2.
Variant type: single nucleotide variant.
Coding change: c.3071C>G on transcript NM_001042492.3 (MANE Select); coding-DNA position 3071, C replaced by G.
Protein change: p.Ala1024Gly; replaces alanine 1024 with glycine.
Molecular consequence: missense variant.
Genome position (GRCh38, 1-based): chr17:31,230,340, C>G. VCF-style: chr17-31230340-C-G. GRCh37 (hg19) VCF-style: chr17-29557358-C-G.
Other names: c.3071C>G, p.Ala1024Gly (NM_000267.4); short protein forms A1024G.
Identifiers: ClinVar variation 4800741 (VCV004800741.1).

ClinVar aggregate classification (germline): Uncertain significance (1 of 4 stars; one submission).

Conditions:
Neurofibromatosis, type 1 (NF1). Also called: VON RECKLINGHAUSEN DISEASE; Neurofibromatosis, type I; NEUROFIBROMATOSIS, TYPE I, SOMATIC; Peripheral type neurofibromatosis. Identifiers: Orphanet 636, MedGen C0027831, MONDO:0018975, OMIM 162200. Disease mechanism: loss of function.

Submission:

Labcorp Genetics (formerly Invitae), Labcorp
Classification: Uncertain significance for Neurofibromatosis, type 1. Last evaluated: 2025-04-02. Review status: criteria provided, single submitter. Criteria: Invitae Variant Classification Sherloc (09022015). Collection method: clinical testing. Allele origin: germline.
Comment: This sequence change replaces alanine, which is neutral and non-polar, with glycine, which is neutral and non-polar, at codon 1024 of the NF1 protein (p.Ala1024Gly). This variant is not present in population databases (gnomAD no frequency). This variant has not been reported in the literature in individuals affected with NF1-related conditions. Invitae Evidence Modeling of protein sequence and biophysical properties (such as structural, functional, and spatial information, amino acid conservation, physicochemical variation, residue mobility, and thermodynamic stability) indicates that this missense variant is not expected to disrupt NF1 protein function with a negative predictive value of 95%. In summary, the available evidence is currently insufficient to determine the role of this variant in disease. Therefore, it has been classified as a Variant of Uncertain Significance.